The following is an entry in ClinVar:

ClinVar aggregate classification (germline): Uncertain significance (1 of 4 stars; one submission).

Submission:

Labcorp Genetics (formerly Invitae), Labcorp
Classification: Uncertain significance. Last evaluated: 2026-01-12. Review status: criteria provided, single submitter. Criteria: Invitae Variant Classification Sherloc (09022015). Collection method: clinical testing. Allele origin: germline.
Comment: This sequence change replaces aspartic acid, which is acidic and polar, with alanine, which is neutral and non-polar, at codon 737 of the CENPJ protein (p.Asp737Ala). This variant is not present in population databases (gnomAD no frequency). This variant has not been reported in the literature in individuals affected with CENPJ-related conditions. ClinVar contains an entry for this variant (Variation ID: 2896817). Invitae Evidence Modeling of protein sequence and biophysical properties (such as structural, functional, and spatial information, amino acid conservation, physicochemical variation, residue mobility, and thermodynamic stability) indicates that this missense variant is not expected to disrupt CENPJ protein function with a negative predictive value of 80%. In summary, the available evidence is currently insufficient to determine the role of this variant in disease. Therefore, it has been classified as a Variant of Uncertain Significance.

NM_018451.5(CPAP):c.2210A>C (p.Asp737Ala)

Gene: CPAP (centrosome assembly and centriole elongation protein; minus strand). Cytogenetic location: 13q12.13.
Variant type: single nucleotide variant.
Coding change: c.2210A>C on transcript NM_018451.5 (MANE Select); coding-DNA position 2210, A replaced by C.
Protein change: p.Asp737Ala; replaces aspartic acid 737 with alanine.
Molecular consequence: missense variant. On other transcripts: non-coding transcript variant (2).
Genome position (GRCh38, 1-based): chr13:24,905,828, T>G on the plus strand (A>C on the coding strand, the complement: CPAP is on the minus strand). VCF-style: chr13-24905828-T-G. GRCh37 (hg19) VCF-style: chr13-25479966-T-G.
Other names: short protein forms D737A.
Identifiers: ClinVar variation 2896817 (VCV002896817.3), dbSNP rs587783408, ClinGen allele CA387585528.
Genomic context (GRCh38, chr13:24,905,828, plus strand): 5'-TCCAGATCAACATCTCTCCTTTTATCTTCTTGGGTCCTGGTGTCCTTAAAAGGCCCCTTA[T>G]CATCACAGACTTGTGGGCTATCCTCTCTGCTGCTGATGCCCCTCTCTCTATCCTCAGTCG-3'
Protein context (NP_060921.3, residues 727-747): SREDSPQVCD[Asp737Ala]KGPFKDTRTQ